The following is an entry in ClinVar:

ClinVar aggregate classification (germline): Pathogenic (1 of 4 stars; one submission).

Conditions:
TAOK2-associated neurodevelopmental disorder.

Submission:

Institute of Human Genetics, University of Leipzig Medical Center
Classification: Pathogenic for TAOK2-associated neurodevelopmental disorder. Last evaluated: 2025-03-24. Review status: criteria provided, single submitter. Criteria: ACMG Guidelines, 2015. Collection method: clinical testing. Allele origin: unknown. Inheritance: Autosomal dominant inheritance. Affected: yes.
Comment: Criteria applied: PVS1,PM2

Literature cited by the submitters: PubMed 39737487.

NM_004783.4(TAOK2):c.2529C>A (p.Tyr843Ter)

Gene: TAOK2 (TAO kinase 2; plus strand). Cytogenetic location: 16p11.2.
Variant type: single nucleotide variant.
Coding change: c.2529C>A on transcript NM_004783.4; coding-DNA position 2529, C replaced by A.
Protein change: p.Tyr843Ter; replaces tyrosine 843 with a stop codon.
Molecular consequence: nonsense.
Genome position (GRCh38, 1-based): chr16:29,990,867, C>A. VCF-style: chr16-29990867-C-A. GRCh37 (hg19) VCF-style: chr16-30002188-C-A.
Other names: short protein forms Y843*.
Identifiers: ClinVar variation 3778749 (VCV003778749.1).